The following is an entry in ClinVar:

NM_017433.5(MYO3A):c.3255C>T (p.Ser1085=)

Gene: MYO3A (myosin IIIA; plus strand). Cytogenetic location: 10p12.1.
Variant type: single nucleotide variant.
Coding change: c.3255C>T on transcript NM_017433.5 (MANE Select); coding-DNA position 3255, C replaced by T.
Protein change: p.Ser1085=; no amino-acid change (serine 1085 retained).
Molecular consequence: synonymous variant.
Genome position (GRCh38, 1-based): chr10:26,168,855, C>T. VCF-style: chr10-26168855-C-T. GRCh37 (hg19) VCF-style: chr10-26457784-C-T.
Identifiers: ClinVar variation 299667 (VCV000299667.18), dbSNP rs35541310, ClinGen allele CA5445208.

ClinVar aggregate classification (germline): Conflicting classifications of pathogenicity. Review status: criteria provided, conflicting classifications (1 of 4 stars). 5 submissions from 5 submitters: Uncertain significance (1); Benign (1); Likely benign (3). Last evaluated 2025-04-12.

Conditions:
Autosomal recessive nonsyndromic hearing loss 30. Identifiers: Orphanet 90636, MedGen C1846784, MONDO:0011774, OMIM 607101.

Allele frequency attached by ClinVar (database versions not stated): gnomAD exomes 0.00011; ExAC 0.00013; 1000 Genomes Project 0.00020; 1000 Genomes Project 30x 0.00031; gnomAD 0.00041 and 0.00044; ESP Exome Variant Server 0.00046; TOPMed 0.00056.
gnomAD v4.1: 215 of 1,610,948 alleles (0.013%); highest among the groups gnomAD compares: African/African-American, 0.17%; no homozygotes.

Submissions (5):

Labcorp Genetics (formerly Invitae), Labcorp
Classification: Likely benign. Last evaluated: 2025-04-12. Review status: criteria provided, single submitter. Criteria: Invitae Variant Classification Sherloc (09022015). Collection method: clinical testing. Allele origin: germline.

GeneDx
Classification: Likely benign. Last evaluated: 2020-07-06. Review status: criteria provided, single submitter. Criteria: GeneDx Variant Classification Process June 2021. Collection method: clinical testing. Allele origin: germline. Affected: yes.

Athena Diagnostics
Classification: Benign. Last evaluated: 2019-03-22. Review status: criteria provided, single submitter. Criteria: Athena Diagnostics Criteria. Collection method: clinical testing. Allele origin: germline.

Illumina Laboratory Services, Illumina
Classification: Uncertain significance for Autosomal recessive nonsyndromic hearing loss 30. Last evaluated: 2018-01-13. Review status: criteria provided, single submitter. Criteria: ICSL Variant Classification Criteria 13 December 2019. Collection method: clinical testing. Allele origin: germline.

Laboratory for Molecular Medicine, Mass General Brigham Personalized Medicine
Classification: Likely benign. Last evaluated: 2016-05-28. Review status: criteria provided, single submitter. Criteria: LMM Criteria. Collection method: clinical testing. Allele origin: germline. Observed: 2 variant alleles.
Comment: p.Ser1085Ser in exon 28 of MYO3A: This variant is not expected to have clinical significance because it does not alter an amino acid residue, is not located wit hin the splice consensus sequence, and has been identified in 0.1% (13/10190) of African chromosomes by the Exome Aggregation Consortium (ExAC; dbSNP rs35541310).